The following is an entry in ClinVar:

NM_203447.4(DOCK8):c.3441C>T (p.Phe1147=)

Gene: DOCK8 (dedicator of cytokinesis 8; plus strand). Cytogenetic location: 9p24.3.
Variant type: single nucleotide variant.
Coding change: c.3441C>T on transcript NM_203447.4 (MANE Select); coding-DNA position 3441, C replaced by T.
Protein change: p.Phe1147=; no amino-acid change (phenylalanine 1147 retained).
Molecular consequence: synonymous variant.
Genome position (GRCh38, 1-based): chr9:406,980, C>T. VCF-style: chr9-406980-C-T. GRCh37 (hg19) VCF-style: chr9-406980-C-T.
Other names: p.Phe1147=; c.3141C>T, p.Phe1047= (NM_001190458.2); c.3237C>T, p.Phe1079= (NM_001193536.2).
Identifiers: ClinVar variation 366975 (VCV000366975.21), dbSNP rs34621129, ClinGen allele CA4958691.

ClinVar aggregate classification (germline): Benign. Review status: criteria provided, multiple submitters, no conflicts (2 of 4 stars). 6 submissions from 6 submitters: Benign (6). Last evaluated 2026-01-26.

Conditions:
Combined immunodeficiency due to DOCK8 deficiency (HIES2). Also called: HIES autosomal recessive; Hyper-IgE recurrent infection syndrome, autosomal recessive; HYPER-IgE RECURRENT INFECTION SYNDROME 2, AUTOSOMAL RECESSIVE; HYPER-IgE SYNDROME 2, AUTOSOMAL RECESSIVE, WITH RECURRENT INFECTIONS; DOCK8 Deficiency. Identifiers: Orphanet 217390, MedGen C4722305, MONDO:0009478, OMIM 243700.

Allele frequency attached by ClinVar (database versions not stated): gnomAD exomes 0.00100 and 0.00252; ExAC 0.00306; gnomAD 0.00962 and 0.01036; 1000 Genomes Project 0.01078; ESP Exome Variant Server 0.01084; TOPMed 0.01092; 1000 Genomes Project 30x 0.01109.
gnomAD v4.1: 3,018 of 1,614,124 alleles (0.19%); highest among the groups gnomAD compares: African/African-American, 3.3%; 47 homozygotes.

Submissions (6):

Labcorp Genetics (formerly Invitae), Labcorp
Classification: Benign for Combined immunodeficiency due to DOCK8 deficiency. Last evaluated: 2026-01-26. Review status: criteria provided, single submitter. Criteria: Invitae Variant Classification Sherloc (09022015). Collection method: clinical testing. Allele origin: germline.

Women's Health and Genetics/Laboratory Corporation of America, LabCorp
Classification: Benign. Last evaluated: 2026-01-23. Review status: criteria provided, single submitter. Criteria: LabCorp Variant Classification Summary - May 2015. Collection method: clinical testing. Allele origin: germline.

Mayo Clinic Laboratories, Mayo Clinic
Classification: Benign. Last evaluated: 2023-09-18. Review status: criteria provided, single submitter. Criteria: ACMG Guidelines, 2015. Collection method: clinical testing. Allele origin: germline. Observed: 3 variant alleles.
Comment: BS1, BS2, BP4, BP7

Illumina Laboratory Services, Illumina
Classification: Benign for Combined immunodeficiency due to DOCK8 deficiency. Last evaluated: 2018-01-12. Review status: criteria provided, single submitter. Criteria: ICSL Variant Classification Criteria 13 December 2019. Collection method: clinical testing. Allele origin: germline.
Comment: This variant was observed in the ICSL laboratory as part of a predisposition screen in an ostensibly healthy population. It had not been previously curated by ICSL or reported in the Human Gene Mutation Database (HGMD: prior to June 1st, 2018), and was therefore a candidate for classification through an automated scoring system. Utilizing variant allele frequency, disease prevalence and penetrance estimates, and inheritance mode, an automated score was calculated to assess if this variant is too frequent to cause the disease. Based on the score and internal cut-off values, a variant classified as benign is not then subjected to further curation. The score for this variant resulted in a classification of benign for this disease.

GeneDx
Classification: Benign. Last evaluated: 2015-03-03. Review status: criteria provided, single submitter. Criteria: GeneDx Variant Classification Process June 2021. Collection method: clinical testing. Allele origin: germline. Affected: yes.

Breakthrough Genomics
Classification: Benign. Review status: criteria provided, single submitter. Criteria: ACMG Guidelines, 2015. Collection method: not provided. Allele origin: germline. Inheritance: Autosomal recessive inheritance. Affected: yes.